The following is an entry in ClinVar:

ClinVar aggregate classification (germline): Uncertain significance. Review status: criteria provided, multiple submitters, no conflicts (2 of 4 stars). 2 submissions from 2 submitters: Uncertain significance (2). Last evaluated 2025-11-03.

Conditions:
Primary immunodeficiency with natural-killer cell deficiency and adrenal insufficiency (IMD54). Also called: Natural killer cell and glucocorticoid deficiency with DNA repair defect; IMMUNODEFICIENCY 54. Identifiers: Orphanet 75391, MedGen C1864947, MONDO:0012383, OMIM 609981.

Allele frequency attached by ClinVar (database versions not stated): gnomAD exomes below 0.00001; TOPMed below 0.00001; ExAC 0.00001.
gnomAD v4.1: 4 of 1,614,176 alleles (0.00025%); highest among the groups gnomAD compares: East Asian, 0.0067%; no homozygotes.

Submissions (2):

Labcorp Genetics (formerly Invitae), Labcorp
Classification: Uncertain significance. Last evaluated: 2025-11-03. Review status: criteria provided, single submitter. Criteria: Invitae Variant Classification Sherloc (09022015). Collection method: clinical testing. Allele origin: germline.
Comment: This sequence change replaces alanine, which is neutral and non-polar, with glycine, which is neutral and non-polar, at codon 141 of the MCM4 protein (p.Ala141Gly). This variant is present in population databases (rs778667944, gnomAD 0.01%). This variant has not been reported in the literature in individuals affected with MCM4-related conditions. ClinVar contains an entry for this variant (Variation ID: 2047336). An algorithm developed to predict the effect of missense changes on protein structure and function (PolyPhen-2) suggests that this variant is likely to be tolerated. In summary, the available evidence is currently insufficient to determine the role of this variant in disease. Therefore, it has been classified as a Variant of Uncertain Significance.

Fulgent Genetics
Classification: Uncertain significance for Primary immunodeficiency with natural-killer cell deficiency and adrenal insufficiency. Last evaluated: 2024-05-10. Review status: criteria provided, single submitter. Criteria: ACMG Guidelines, 2015. Collection method: clinical testing. Allele origin: germline.

NM_182746.3(MCM4):c.422C>G (p.Ala141Gly)

Gene: MCM4 (minichromosome maintenance complex component 4; plus strand). Cytogenetic location: 8q11.21.
Variant type: single nucleotide variant.
Coding change: c.422C>G on transcript NM_182746.3 (MANE Select); coding-DNA position 422, C replaced by G.
Protein change: p.Ala141Gly; replaces alanine 141 with glycine.
Molecular consequence: missense variant.
Genome position (GRCh38, 1-based): chr8:47,962,327, C>G. VCF-style: chr8-47962327-C-G. GRCh37 (hg19) VCF-style: chr8-48874887-C-G.
Other names: c.422C>G, p.Ala141Gly (NM_005914.4); short protein forms A141G.
Identifiers: ClinVar variation 2047336 (VCV002047336.3), dbSNP rs778667944, ClinGen allele CA4742299.